The following is an entry in ClinVar:

ClinVar aggregate classification (germline): Conflicting classifications of pathogenicity. Review status: criteria provided, conflicting classifications (1 of 4 stars). 2 submissions from 2 submitters: Uncertain significance (1); Likely benign (1). Last evaluated 2025-12-04.

Allele frequency attached by ClinVar (database versions not stated): 1000 Genomes Project 30x 0.00016; ExAC 0.00045; TOPMed 0.00064; gnomAD exomes 0.00071; gnomAD 0.00075; ESP Exome Variant Server 0.00092.
gnomAD v4.1: 1,162 of 1,614,178 alleles (0.072%); highest among the groups gnomAD compares: Non-Finnish European, 0.088%; 2 homozygotes.

Submissions (2):

Ambry Genetics
Classification: Uncertain significance. Last evaluated: 2025-12-04. Review status: criteria provided, single submitter. Criteria: Ambry Variant Classification Scheme 2023. Collection method: clinical testing. Allele origin: germline.

CeGaT Center for Human Genetics Tuebingen
Classification: Likely benign. Last evaluated: 2024-11-01. Review status: criteria provided, single submitter. Criteria: CeGaT Center For Human Genetics Tuebingen Variant Classification Criteria Version 2. Collection method: clinical testing. Allele origin: germline. Affected: yes. Observed: 1 variant allele.
Comment: ATG7: BP4

NM_001349232.2(ATG7):c.1566C>G (p.Asp522Glu)

Gene: ATG7 (autophagy related 7; plus strand). Cytogenetic location: 3p25.3.
Variant type: single nucleotide variant.
Coding change: c.1566C>G on transcript NM_001349232.2 (MANE Select); coding-DNA position 1566, C replaced by G.
Protein change: p.Asp522Glu; replaces aspartic acid 522 with glutamic acid.
Molecular consequence: missense variant.
Genome position (GRCh38, 1-based): chr3:11,360,667, C>G. VCF-style: chr3-11360667-C-G. GRCh37 (hg19) VCF-style: chr3-11402141-C-G.
Other names: c.1566C>G, p.Asp522Glu (NM_001136031.3, NM_001349233.2, NM_001349234.2 and 2 more transcripts); c.1449C>G, p.Asp483Glu (NM_001144912.2, NM_001349236.2); c.1407C>G, p.Asp469Glu (NM_001349237.2); c.633C>G, p.Asp211Glu (NM_001349238.2); short protein forms D211E, D483E, D522E, D469E.
Identifiers: ClinVar variation 2301159 (VCV002301159.16), dbSNP rs146589465, ClinGen allele CA2256112.